The following is an entry in ClinVar:

ClinVar aggregate classification (germline): Uncertain significance. Review status: criteria provided, multiple submitters, no conflicts (2 of 4 stars). 2 submissions from 2 submitters: Uncertain significance (2). Last evaluated 2026-10-01.

Conditions:
Thrombocytopenia 2 (THC2). Also called: ANKRD26-Related Thrombocytopenia. Identifiers: Orphanet 268322, MedGen C1861185, MONDO:0008555, OMIM 188000.
Inborn genetic diseases. Identifiers: MedGen C0950123, MeSH D030342.

Submissions (2):

St. Jude Molecular Pathology, St. Jude Children's Research Hospital
Classification: Uncertain significance for Thrombocytopenia 2. Last evaluated: 2026-10-01. Review status: criteria provided, single submitter. Criteria: St. Jude Assertion Criteria 2020. Collection method: clinical testing. Allele origin: germline.
Comment: The ANKRD26 c.1217C>T p.(Ser406Phe) missense change is absent in gnomAD v2.1.1. This variant is not located in the 5Ã¢ € ™UTR. The in silico tool REVEL predicts a ben ign effect on protein function, but to our knowledge this prediction has not been confirmed by functional studies. To our knowledge, this variant has not been reported in the literature in individuals with ANKRD26-related thrombocytopenia. In summary, th e evidence currently available is insufficient to determine the clinical significance of this variant. It has therefore been classified as of uncertain significance.

Ambry Genetics
Classification: Uncertain significance for Inborn genetic diseases. Last evaluated: 2026-01-14. Review status: criteria provided, single submitter. Criteria: Ambry Variant Classification Scheme 2023. Collection method: clinical testing. Allele origin: germline.
Comment: The p.S406F variant (also known as c.1217C>T), located in coding exon 11 of the ANKRD26 gene, results from a C to T substitution at nucleotide position 1217. The serine at codon 406 is replaced by phenylalanine, an amino acid with highly dissimilar properties. This amino acid position is conserved. In addition, this alteration is predicted to be tolerated by in silico analysis. Based on the available evidence, the clinical significance of this variant remains unclear.

NM_014915.3(ANKRD26):c.1217C>T (p.Ser406Phe)

Gene: ANKRD26 (ankyrin repeat domain 26; minus strand). Cytogenetic location: 10p12.1.
Variant type: single nucleotide variant.
Coding change: c.1217C>T on transcript NM_014915.3 (MANE Select); coding-DNA position 1217, C replaced by T.
Protein change: p.Ser406Phe; replaces serine 406 with phenylalanine.
Molecular consequence: missense variant.
Genome position (GRCh38, 1-based): chr10:27,066,539, G>A on the plus strand (C>T on the coding strand, the complement: ANKRD26 is on the minus strand). VCF-style: chr10-27066539-G-A. GRCh37 (hg19) VCF-style: chr10-27355468-G-A.
Other names: c.1217C>T, p.Ser406Phe (NM_001256053.2); short protein forms S406F.
Identifiers: ClinVar variation 4842370 (VCV004842370.2).
Genomic context (GRCh38, chr10:27,066,539, plus strand): 5'-GAAAGTACCTCAGAATCCCAAGGTGATTCTATATCTTCCTCTTGTCCTAATCCTAATGCG[G>A]ACATCATATCTATCAAATGTGATACACAGATATATTCATGAGAACATTTACTATTGTAAA-3'
Protein context (NP_055730.2, residues 396-416): VHKNNRSDMM[Ser406Phe]ALGLGQEEDI